The following is an entry in ClinVar:

NM_000284.4(PDHA1):c.523G>C (p.Ala175Pro)

Gene: PDHA1 (pyruvate dehydrogenase E1 subunit alpha 1; plus strand). Cytogenetic location: Xp22.12.
Variant type: single nucleotide variant.
Coding change: c.523G>C on transcript NM_000284.4 (MANE Select); coding-DNA position 523, G replaced by C.
Protein change: p.Ala175Pro; replaces alanine 175 with proline.
Molecular consequence: missense variant. On other transcripts: intron variant (1).
Genome position (GRCh38, 1-based): chrX:19,354,503, G>C. VCF-style: chrX-19354503-G-C. GRCh37 (hg19) VCF-style: chrX-19372621-G-C.
Other names: c.637G>C, p.Ala213Pro (NM_001173454.2); c.544G>C, p.Ala182Pro (NM_001173455.2); c.511-846G>C (NM_001173456.2); short protein forms A175P, A182P, A213P.
Identifiers: ClinVar variation 4070337 (VCV004070337.1).

ClinVar aggregate classification (germline): Likely pathogenic (0 of 4 stars; one submission).

Conditions:
Pyruvate dehydrogenase E1-alpha deficiency (PDHAD). Also called: ATAXIA, INTERMITTENT, WITH PYRUVATE DEHYDROGENASE DEFICIENCY; ATAXIA WITH LACTIC ACIDOSIS I; ATAXIA, INTERMITTENT, WITH ABNORMAL PYRUVATE METABOLISM; Ataxia, intermittent, with pyruvate dehydrogenase, or decarboxylase, deficiency. Identifiers: Orphanet 79243, MedGen C1839413, MONDO:0010717, OMIM 312170.

Submission:

PDHA1 Study Group, University Children’s Hospital, Paracelsus Medical University
Classification: Likely pathogenic for Pyruvate dehydrogenase E1-alpha deficiency. Last evaluated: 2024-10-15. Review status: no assertion criteria provided. Collection method: research. Allele origin: germline. Affected: yes. Observed: 1 variant allele.
Comment: The NM_000284.3:c.523G>C (p.Ala175Pro) substitution is a missense variant in PDHA1 gene. The variant has been reported in 1 published case (PMIDs: 8281161). Last literature search: July 12, 2024. This variant is absent or extremely rare in population-based cohorts in the Genome Aggregation Database (gnomAD). Individuals harboring this variant presented with clinical features compatible with PDHA1-related PDHc deficiency. In summary, this variant meets criteria to be classified as likely pathogenic (LP) for PDHA1-related PDHc deficiency based on the ACMG/AMP criteria applied: PM1, PM2, PM7, PP3 (last assessment October 15, 2024).

Literature cited by the submitters: PubMed 8281161; DOI 10.1093/brain/awaf430.